The following is an entry in ClinVar:

ClinVar aggregate classification (germline): Uncertain significance. Review status: criteria provided, multiple submitters, no conflicts (2 of 4 stars). 5 submissions from 5 submitters: Uncertain significance (5). Last evaluated 2025-09-26.

Conditions:
Inborn genetic diseases. Identifiers: MedGen C0950123, MeSH D030342.
Autosomal recessive limb-girdle muscular dystrophy type 2D (LGMDR3). Also called: DUCHENNE-LIKE AUTOSOMAL RECESSIVE MUSCULAR DYSTROPHY, TYPE 2; MUSCULAR DYSTROPHY, LIMB-GIRDLE, AUTOSOMAL RECESSIVE 3; ADHALINOPATHY, PRIMARY. Identifiers: Orphanet 62, MedGen C2936332, MONDO:0011968, OMIM 608099. Disease mechanism: Affects gamma-sarcoglycan and also disrupts the integrity of the entire sarcoglycan complex..

Allele frequency attached by ClinVar (database versions not stated): ExAC 0.00001; gnomAD 0.00001; gnomAD exomes 0.00001; TOPMed 0.00005; ESP Exome Variant Server 0.00015.

Submissions (5):

Ambry Genetics
Classification: Uncertain significance for Inborn genetic diseases. Last evaluated: 2025-09-26. Review status: criteria provided, single submitter. Criteria: Ambry Variant Classification Scheme 2023. Collection method: clinical testing. Allele origin: germline.

Labcorp Genetics (formerly Invitae), Labcorp
Classification: Uncertain significance for Autosomal recessive limb-girdle muscular dystrophy type 2D. Last evaluated: 2025-08-21. Review status: criteria provided, single submitter. Criteria: Invitae Variant Classification Sherloc (09022015). Collection method: clinical testing. Allele origin: germline.
Comment: This sequence change replaces arginine, which is basic and polar, with histidine, which is basic and polar, at codon 374 of the SGCA protein (p.Arg374His). This variant is present in population databases (rs150524482, gnomAD 0.01%). This variant has not been reported in the literature in individuals affected with SGCA-related conditions. ClinVar contains an entry for this variant (Variation ID: 285630). Invitae Evidence Modeling of protein sequence and biophysical properties (such as structural, functional, and spatial information, amino acid conservation, physicochemical variation, residue mobility, and thermodynamic stability) indicates that this missense variant is not expected to disrupt SGCA protein function with a negative predictive value of 95%. In summary, the available evidence is currently insufficient to determine the role of this variant in disease. Therefore, it has been classified as a Variant of Uncertain Significance.

Genome-Nilou Lab
Classification: Uncertain significance for Autosomal recessive limb-girdle muscular dystrophy type 2D. Last evaluated: 2023-02-08. Review status: criteria provided, single submitter. Criteria: ACMG Guidelines, 2015. Collection method: clinical testing. Allele origin: germline.

Revvity Omics, Revvity
Classification: Uncertain significance for Autosomal recessive limb-girdle muscular dystrophy type 2D. Last evaluated: 2019-10-08. Review status: criteria provided, single submitter. Criteria: ACMG Guidelines, 2015. Collection method: clinical testing. Allele origin: germline.

Eurofins Ntd Llc (ga)
Classification: Uncertain significance. Last evaluated: 2016-01-26. Review status: criteria provided, single submitter. Criteria: EGL Classification Definitions 2015. Collection method: clinical testing. Allele origin: germline. Observed: 1 variant allele, 1 heterozygote.

NM_000023.4(SGCA):c.1121G>A (p.Arg374His)

Gene: SGCA (sarcoglycan alpha; plus strand). Cytogenetic location: 17q21.33.
Variant type: single nucleotide variant.
Coding change: c.1121G>A on transcript NM_000023.4 (MANE Select); coding-DNA position 1121, G replaced by A.
Protein change: p.Arg374His; replaces arginine 374 with histidine.
Molecular consequence: missense variant. On other transcripts: non-coding transcript variant (1).
Genome position (GRCh38, 1-based): chr17:50,175,394, G>A. VCF-style: chr17-50175394-G-A. GRCh37 (hg19) VCF-style: chr17-48252755-G-A.
Other names: c.749G>A, p.Arg250His (NM_001135697.3); c.1121G>A (NM_000023.2); short protein forms R374H, R250H.
Identifiers: ClinVar variation 285630 (VCV000285630.13), dbSNP rs150524482, ClinGen allele CA8644088.
Genomic context (GRCh38, chr17:50,175,394, plus strand): 5'-CCCGGCCACTCTCCACCCTGCCCATGTTCAATGTGCACACAGGTGAGCGGCTGCCTCCCC[G>A]CGTGGACAGCGCCCAGGTGCCCCTCATTCTGGACCAGCACTGACAGCCTAGCCAGGTAGG-3'
Protein context (NP_000014.1, residues 364-384): NVHTGERLPP[Arg374His]VDSAQVPLIL